The following is an entry in ClinVar:

NM_014974.3(DIP2C):c.635C>T (p.Thr212Met)

Gene: DIP2C (DIP2 acetate--CoA ligase C (putative); minus strand). Cytogenetic location: 10p15.3.
Variant type: single nucleotide variant.
Coding change: c.635C>T on transcript NM_014974.3 (MANE Select); coding-DNA position 635, C replaced by T.
Protein change: p.Thr212Met; replaces threonine 212 with methionine.
Molecular consequence: missense variant.
Genome position (GRCh38, 1-based): chr10:419,169, G>A on the plus strand (C>T on the coding strand, the complement: DIP2C is on the minus strand). VCF-style: chr10-419169-G-A. GRCh37 (hg19) VCF-style: chr10-465109-G-A.
Other names: short protein forms T212M.
Identifiers: ClinVar variation 2818157 (VCV002818157.3), dbSNP rs368878837, ClinGen allele CA5381253.

ClinVar aggregate classification (germline): Uncertain significance (1 of 4 stars; one submission).

Allele frequency attached by ClinVar (database versions not stated): TOPMed below 0.00001; ExAC 0.00001; ESP Exome Variant Server 0.00008.
gnomAD v4.1: 7 of 1,614,254 alleles (0.00043%); highest among the groups gnomAD compares: Non-Finnish European, 0.00051%; no homozygotes.

Submission:

Labcorp Genetics (formerly Invitae), Labcorp
Classification: Uncertain significance. Last evaluated: 2023-03-23. Review status: criteria provided, single submitter. Criteria: Invitae Variant Classification Sherloc (09022015). Collection method: clinical testing. Allele origin: germline.
Comment: This variant has not been reported in the literature in individuals affected with DIP2C-related conditions. This sequence change replaces threonine, which is neutral and polar, with methionine, which is neutral and non-polar, at codon 212 of the DIP2C protein (p.Thr212Met). This variant is present in population databases (rs368878837, gnomAD 0.004%). An algorithm developed to predict the effect of missense changes on protein structure and function (PolyPhen-2) suggests that this variant is likely to be tolerated. In summary, the available evidence is currently insufficient to determine the role of this variant in disease. Therefore, it has been classified as a Variant of Uncertain Significance.